The following is an entry in ClinVar:

NM_001022.4(RPS19):c.79A>T (p.Lys27Ter)

Genes: RPS19 (ribosomal protein S19; plus strand), RPS19-CD79A (RPS19-CD79A readthrough; plus strand). Cytogenetic location: 19q13.2.
Variant type: single nucleotide variant.
Coding change: c.79A>T on transcript NM_001022.4 (MANE Select); coding-DNA position 79, A replaced by T.
Protein change: p.Lys27Ter; replaces lysine 27 with a stop codon.
Molecular consequence: nonsense.
Genome position (GRCh38, 1-based): chr19:41,861,119, A>T. VCF-style: chr19-41861119-A-T. GRCh37 (hg19) VCF-style: chr19-42365188-A-T.
Other names: c.79A>T, p.Lys27Ter (NM_001321483.2, NM_001321484.2, NM_001321485.2); short protein forms K27*.
Identifiers: ClinVar variation 1761564 (VCV001761564.3), dbSNP rs2513667116, ClinGen allele CA406046547.

ClinVar aggregate classification (germline): Pathogenic/Likely pathogenic. Review status: criteria provided, multiple submitters, no conflicts (2 of 4 stars). 2 submissions from 2 submitters: Pathogenic (1); Likely pathogenic (1). Last evaluated 2023-08-23.

Conditions:
Diamond-Blackfan anemia 1 (DBA1). Also called: RPS19-Related Diamond-Blackfan Anemia; BLACKFAN-DIAMOND SYNDROME; ANEMIA, CONGENITAL HYPOPLASTIC, OF BLACKFAN AND DIAMOND; ANEMIA, CONGENITAL ERYTHROID HYPOPLASTIC; RED CELL APLASIA, PURE, HEREDITARY; AREGENERATIVE ANEMIA, CHRONIC CONGENITAL. Identifiers: Orphanet 124, MedGen C2676137, MONDO:0007110, OMIM 105650.
Diamond-Blackfan anemia. Also called: Blackfan Diamond syndrome; Aregenerative anemia chronic congenital; Red cell aplasia, pure hereditary; Congenital hypoplastic anemia; Aase syndrome. Identifiers: Orphanet 124, MedGen C1260899, MeSH D029503, MONDO:0015253, HP:0004810.

Submissions (2):

Revvity Omics, Revvity
Classification: Likely pathogenic for Diamond-Blackfan anemia 1. Last evaluated: 2023-08-23. Review status: criteria provided, single submitter. Criteria: ACMG Guidelines, 2015. Collection method: clinical testing. Allele origin: germline.

Ambry Genetics
Classification: Pathogenic for Diamond-Blackfan anemia. Last evaluated: 2016-06-23. Review status: criteria provided, single submitter. Criteria: Ambry Variant Classification Scheme 2023. Collection method: clinical testing. Allele origin: germline.
Comment: The p.K27* pathogenic mutation (also known as c.79A>T), located in coding exon 2 of the RPS19 gene, results from an A to T substitution at nucleotide position 79. This changes the amino acid from a lysine to a stop codon within coding exon 2. Since premature stop codons are typically deleterious in nature, this alteration is interpreted as a disease-causing mutation (ACMG Recommendations for Standards for Interpretation and Reporting of Sequence Variations. Revision 2007. Genet Med. 2008;10:294).